The following is an entry in ClinVar:

ClinVar aggregate classification (germline): Benign. Review status: criteria provided, multiple submitters, no conflicts (2 of 4 stars). 7 submissions from 7 submitters: Benign (6). 1 of the submissions does not count toward it. Last evaluated 2026-02-04.

Conditions:
CDH2-related disorder. Also called: CDH2-related condition.

Allele frequency attached by ClinVar (database versions not stated): gnomAD 0.04196 and 0.04293; TOPMed 0.04304; ESP Exome Variant Server 0.04529; gnomAD exomes 0.04539; ExAC 0.04589; 1000 Genomes Project 30x 0.04591; 1000 Genomes Project 0.04633.
gnomAD v4.1: 82,233 of 1,613,226 alleles (5.1%); highest among the groups gnomAD compares: South Asian, 6.7%; 2,325 homozygotes.

Submissions (7):

Labcorp Genetics (formerly Invitae), Labcorp
Classification: Benign. Last evaluated: 2026-02-04. Review status: criteria provided, single submitter. Criteria: Invitae Variant Classification Sherloc (09022015). Collection method: clinical testing. Allele origin: germline.

Molecular Diagnostic Laboratory for Inherited Cardiovascular Disease, Montreal Heart Institute
Classification: Benign. Last evaluated: 2025-04-09. Review status: criteria provided, single submitter. Criteria: ACMG Guidelines, 2015. Collection method: clinical testing. Allele origin: germline. Affected: no.

Blueprint Genetics
Classification: Benign. Last evaluated: 2024-11-27. Review status: criteria provided, single submitter. Criteria: ACMG Guidelines, 2015. Collection method: clinical testing. Allele origin: germline.

Mayo Clinic Laboratories, Mayo Clinic
Classification: Benign. Last evaluated: 2022-04-26. Review status: criteria provided, single submitter. Criteria: ACMG Guidelines, 2015. Collection method: clinical testing. Allele origin: germline. Observed: 69 variant alleles.

GeneDx
Classification: Benign. Last evaluated: 2019-01-25. Review status: criteria provided, single submitter. Criteria: GeneDx Variant Classification Process June 2021. Collection method: clinical testing. Allele origin: germline. Affected: yes.

Breakthrough Genomics
Classification: Benign. Review status: criteria provided, single submitter. Criteria: ACMG Guidelines, 2015. Collection method: not provided. Allele origin: germline. Inheritance: Autosomal recessive inheritance. Affected: yes.

PreventionGenetics, part of Exact Sciences
Classification: Benign for CDH2-related condition. Last evaluated: 2019-12-11. Review status: no assertion criteria provided. Collection method: clinical testing. Allele origin: germline. Not counted in ClinVar's aggregate classification.
Comment: This variant is classified as benign based on ACMG/AMP sequence variant interpretation guidelines (Richards et al. 2015 PMID: 25741868, with internal and published modifications).

NM_001792.5(CDH2):c.333C>G (p.Thr111=)

Gene: CDH2 (cadherin 2; minus strand). Cytogenetic location: 18q12.1.
Variant type: single nucleotide variant.
Coding change: c.333C>G on transcript NM_001792.5 (MANE Select); coding-DNA position 333, C replaced by G.
Protein change: p.Thr111=; no amino-acid change (threonine 111 retained).
Molecular consequence: synonymous variant.
Genome position (GRCh38, 1-based): chr18:28,013,749, G>C on the plus strand (C>G on the coding strand, the complement: CDH2 is on the minus strand). VCF-style: chr18-28013749-G-C. GRCh37 (hg19) VCF-style: chr18-25593713-G-C.
Other names: p.Thr111=; c.240C>G, p.Thr80= (NM_001308176.2).
Identifiers: ClinVar variation 1245485 (VCV001245485.16), dbSNP rs41274322, ClinGen allele CA8923726.